The following is an entry in ClinVar:

ClinVar aggregate classification (germline): Uncertain significance. Review status: criteria provided, multiple submitters, no conflicts (2 of 4 stars). 3 submissions from 3 submitters: Uncertain significance (3). Last evaluated 2025-06-24.

Conditions:
Greenberg dysplasia (GRBGD). Also called: HEM SKELETAL DYSPLASIA; MOTH-EATEN SKELETAL DYSPLASIA; CHONDRODYSTROPHY, HYDROPIC AND PRENATALLY LETHAL TYPE. Identifiers: Orphanet 1426, MedGen C2931048, MONDO:0008974, OMIM 215140.
Regressive spondylometaphyseal dysplasia. Also called: PELGER-HUET ANOMALY WITH MILD SKELETAL ANOMALIES. Identifiers: Orphanet 448267, MedGen C4747922, MONDO:0018663, OMIM 618019.

Allele frequency attached by ClinVar (database versions not stated): gnomAD exomes below 0.00001.
gnomAD v4.1: 2 of 1,614,160 alleles (0.00012%); highest among the groups gnomAD compares: Non-Finnish European, 0.00017%; no homozygotes.

Submissions (3):

Labcorp Genetics (formerly Invitae), Labcorp
Classification: Uncertain significance. Last evaluated: 2025-06-24. Review status: criteria provided, single submitter. Criteria: Invitae Variant Classification Sherloc (09022015). Collection method: clinical testing. Allele origin: germline.
Comment: This sequence change replaces tyrosine, which is neutral and polar, with cysteine, which is neutral and slightly polar, at codon 345 of the LBR protein (p.Tyr345Cys). This variant is not present in population databases (gnomAD no frequency). This variant has not been reported in the literature in individuals affected with LBR-related conditions. ClinVar contains an entry for this variant (Variation ID: 874222). Invitae Evidence Modeling of protein sequence and biophysical properties (such as structural, functional, and spatial information, amino acid conservation, physicochemical variation, residue mobility, and thermodynamic stability) indicates that this missense variant is expected to disrupt LBR protein function with a positive predictive value of 80%. In summary, the available evidence is currently insufficient to determine the role of this variant in disease. Therefore, it has been classified as a Variant of Uncertain Significance.

New York Genome Center
Classification: Uncertain significance for Greenberg dysplasia; Regressive spondylometaphyseal dysplasia. Last evaluated: 2023-07-06. Review status: criteria provided, single submitter. Criteria: NYGC Assertion Criteria 2020. Collection method: clinical testing. Allele origin: germline. Observed: 1 variant allele.

Illumina Laboratory Services, Illumina
Classification: Uncertain significance for Greenberg dysplasia. Last evaluated: 2018-01-13. Review status: criteria provided, single submitter. Criteria: ICSL Variant Classification Criteria 13 December 2019. Collection method: clinical testing. Allele origin: germline.

NM_002296.4(LBR):c.1034A>G (p.Tyr345Cys)

Gene: LBR (lamin B receptor; minus strand). Cytogenetic location: 1q42.12.
Variant type: single nucleotide variant.
Coding change: c.1034A>G on transcript NM_002296.4 (MANE Select); coding-DNA position 1034, A replaced by G.
Protein change: p.Tyr345Cys; replaces tyrosine 345 with cysteine.
Molecular consequence: missense variant.
Genome position (GRCh38, 1-based): chr1:225,412,504, T>C on the plus strand (A>G on the coding strand, the complement: LBR is on the minus strand). VCF-style: chr1-225412504-T-C. GRCh37 (hg19) VCF-style: chr1-225600206-T-C.
Other names: c.1034A>G, p.Tyr345Cys (NM_194442.3); short protein forms Y345C.
Identifiers: ClinVar variation 874222 (VCV000874222.8), dbSNP rs2096107960, ClinGen allele CA344996949.